The following is an entry in ClinVar:

NM_000038.6(APC):c.1931G>C (p.Ser644Thr)

Gene: APC (APC regulator of Wnt signaling pathway; plus strand). Cytogenetic location: 5q22.2.
Variant type: single nucleotide variant.
Coding change: c.1931G>C on transcript NM_000038.6 (MANE Select); coding-DNA position 1931, G replaced by C.
Protein change: p.Ser644Thr; replaces serine 644 with threonine.
Molecular consequence: missense variant.
Genome position (GRCh38, 1-based): chr5:112,835,138, G>C. VCF-style: chr5-112835138-G-C. GRCh37 (hg19) VCF-style: chr5-112170835-G-C.
Other names: c.1931G>C (NM_000038.5); c.1931G>C, p.Ser644Thr (NM_001127510.3, NM_001354895.2); c.1877G>C, p.Ser626Thr (NM_001127511.3); c.1985G>C, p.Ser662Thr (NM_001354896.2); c.1961G>C, p.Ser654Thr (NM_001354897.2); c.1856G>C, p.Ser619Thr (NM_001354898.2); c.1847G>C, p.Ser616Thr (NM_001354899.2); c.1808G>C, p.Ser603Thr (NM_001354900.2); and 6 more; short protein forms S619T, S626T, S361T, S484T, S518T, S603T, S644T, S543T.
Identifiers: ClinVar variation 1463080 (VCV001463080.9), dbSNP rs1285828931, ClinGen allele CA16025534.

ClinVar aggregate classification (germline): Uncertain significance. Review status: criteria provided, multiple submitters, no conflicts (2 of 4 stars). 2 submissions from 2 submitters: Uncertain significance (2). Last evaluated 2024-04-09.

Conditions:
Hereditary cancer-predisposing syndrome. Also called: Tumor predisposition; Hereditary neoplastic syndrome; Hereditary Cancer Syndrome; Neoplastic Syndromes, Hereditary. Identifiers: Orphanet 140162, MedGen C0027672, MeSH D009386, MONDO:0015356.
Familial adenomatous polyposis 1 (FAP1). Also called: FAMILIAL ADENOMATOUS POLYPOSIS 1, ATTENUATED; POLYPOSIS, ADENOMATOUS INTESTINAL. Identifiers: MedGen C2713442, MONDO:0021056, OMIM 175100. Disease mechanism: loss of function.

Allele frequency attached by ClinVar (database versions not stated): gnomAD exomes below 0.00001.
gnomAD v4.1: 1 of 1,614,006 alleles (0.000062%); highest among the groups gnomAD compares: African/African-American, 0.0013%; no homozygotes.

Submissions (2):

Ambry Genetics
Classification: Uncertain significance for Hereditary cancer-predisposing syndrome. Last evaluated: 2024-04-09. Review status: criteria provided, single submitter. Criteria: Ambry Variant Classification Scheme 2023. Collection method: clinical testing. Allele origin: germline.
Comment: The p.S644T variant (also known as c.1931G>C), located in coding exon 14 of the APC gene, results from a G to C substitution at nucleotide position 1931. The serine at codon 644 is replaced by threonine, an amino acid with similar properties. This amino acid position is highly conserved in available vertebrate species. In addition, in silico predictors for this gene do not accurately predict pathogenicity. Based on the available evidence, the clinical significance of this variant remains unclear.

Labcorp Genetics (formerly Invitae), Labcorp
Classification: Uncertain significance for Familial adenomatous polyposis 1. Last evaluated: 2020-11-19. Review status: criteria provided, single submitter. Criteria: Invitae Variant Classification Sherloc (09022015). Collection method: clinical testing. Allele origin: germline.
Comment: This sequence change replaces serine with threonine at codon 644 of the APC protein (p.Ser644Thr). The serine residue is highly conserved and there is a small physicochemical difference between serine and threonine. This variant is not present in population databases (ExAC no frequency). This variant has not been reported in the literature in individuals with APC-related conditions. Algorithms developed to predict the effect of missense changes on protein structure and function (SIFT, PolyPhen-2, Align-GVGD) all suggest that this variant is likely to be tolerated, but these predictions have not been confirmed by published functional studies and their clinical significance is uncertain. In summary, the available evidence is currently insufficient to determine the role of this variant in disease. Therefore, it has been classified as a Variant of Uncertain Significance.